The following is an entry in ClinVar:

ClinVar aggregate classification (germline): Uncertain significance (1 of 4 stars; one submission).

Conditions:
Hereditary cancer-predisposing syndrome. Also called: Neoplastic Syndromes, Hereditary; Tumor predisposition; Hereditary Cancer Syndrome; Hereditary neoplastic syndrome. Identifiers: Orphanet 140162, MedGen C0027672, MeSH D009386, MONDO:0015356.

Submission:

Ambry Genetics
Classification: Uncertain significance for Hereditary cancer-predisposing syndrome. Last evaluated: 2019-04-12. Review status: criteria provided, single submitter. Criteria: Ambry Variant Classification Scheme 2023. Collection method: clinical testing. Allele origin: germline.
Comment: The p.K525T variant (also known as c.1574A>C), located in coding exon 9 of the ATM gene, results from an A to C substitution at nucleotide position 1574. The lysine at codon 525 is replaced by threonine, an amino acid with similar properties. This amino acid position is well conserved in available vertebrate species. In addition, the in silico prediction for this alteration is inconclusive. Since supporting evidence is limited at this time, the clinical significance of this alteration remains unclear.

NM_000051.4(ATM):c.1574A>C (p.Lys525Thr)

Gene: ATM (ATM serine/threonine kinase; plus strand). Cytogenetic location: 11q22.3.
Variant type: single nucleotide variant.
Coding change: c.1574A>C on transcript NM_000051.4 (MANE Select); coding-DNA position 1574, A replaced by C.
Protein change: p.Lys525Thr; replaces lysine 525 with threonine.
Molecular consequence: missense variant.
Genome position (GRCh38, 1-based): chr11:108,251,039, A>C. VCF-style: chr11-108251039-A-C. GRCh37 (hg19) VCF-style: chr11-108121766-A-C.
Other names: c.1574A>C, p.Lys525Thr (NM_001351834.2); short protein forms K525T.
Identifiers: ClinVar variation 819562 (VCV000819562.4), dbSNP rs1591524835, ClinGen allele CA382534389.